The following is an entry in ClinVar:

NM_145290.4(ADGRA3):c.3064C>T (p.Pro1022Ser)

Gene: ADGRA3 (adhesion G protein-coupled receptor A3; minus strand). Cytogenetic location: 4p15.2.
Variant type: single nucleotide variant.
Coding change: c.3064C>T on transcript NM_145290.4 (MANE Select); coding-DNA position 3064, C replaced by T.
Protein change: p.Pro1022Ser; replaces proline 1022 with serine.
Molecular consequence: missense variant.
Genome position (GRCh38, 1-based): chr4:22,388,607, G>A on the plus strand (C>T on the coding strand, the complement: ADGRA3 is on the minus strand). VCF-style: chr4-22388607-G-A. GRCh37 (hg19) VCF-style: chr4-22390230-G-A.
Other names: short protein forms P1022S.
Identifiers: ClinVar variation 957236 (VCV000957236.9), dbSNP rs1713955224, ClinGen allele CA356473925.

ClinVar aggregate classification (germline): Uncertain significance (1 of 4 stars; one submission).

Allele frequency attached by ClinVar (database versions not stated): TOPMed below 0.00001; gnomAD exomes 0.00001.
gnomAD v4.1: 8 of 1,613,966 alleles (0.0005%); highest among the groups gnomAD compares: Non-Finnish European, 0.00068%; no homozygotes.

Submission:

Labcorp Genetics (formerly Invitae), Labcorp
Classification: Uncertain significance. Last evaluated: 2025-12-15. Review status: criteria provided, single submitter. Criteria: Invitae Variant Classification Sherloc (09022015). Collection method: clinical testing. Allele origin: germline.
Comment: This sequence change replaces proline, which is neutral and non-polar, with serine, which is neutral and polar, at codon 1022 of the ADGRA3 protein (p.Pro1022Ser). This variant is not present in population databases (gnomAD no frequency). This variant has not been reported in the literature in individuals affected with ADGRA3-related conditions. ClinVar contains an entry for this variant (Variation ID: 957236). An algorithm developed to predict the effect of missense changes on protein structure and function (PolyPhen-2) suggests that this variant is likely to be disruptive. In summary, the available evidence is currently insufficient to determine the role of this variant in disease. Therefore, it has been classified as a Variant of Uncertain Significance.